The following is an entry in ClinVar:

ClinVar aggregate classification (germline): Uncertain significance (1 of 4 stars; one submission).

Conditions:
Hereditary cancer-predisposing syndrome. Also called: Neoplastic Syndromes, Hereditary; Tumor predisposition; Hereditary neoplastic syndrome; Hereditary Cancer Syndrome. Identifiers: Orphanet 140162, MedGen C0027672, MeSH D009386, MONDO:0015356.

Submission:

Ambry Genetics
Classification: Uncertain significance for Hereditary cancer-predisposing syndrome. Last evaluated: 2026-08-16. Review status: criteria provided, single submitter. Criteria: Ambry Variant Classification Scheme 2023. Collection method: clinical testing. Allele origin: germline.
Comment: The p.Y84H variant (also known as c.250T>C), located in coding exon 3 of the SDHD gene, results from a T to C substitution at nucleotide position 250. The tyrosine at codon 84 is replaced by histidine, an amino acid with similar properties. This amino acid position is conserved. In addition, this alteration is predicted to be deleterious by in silico analysis. Based on the available evidence, the clinical significance of this variant remains unclear.

NM_003002.4(SDHD):c.250T>C (p.Tyr84His)

Gene: SDHD (succinate dehydrogenase complex subunit D; plus strand). Cytogenetic location: 11q23.1.
Variant type: single nucleotide variant.
Coding change: c.250T>C on transcript NM_003002.4 (MANE Select); coding-DNA position 250, T replaced by C.
Protein change: p.Tyr84His; replaces tyrosine 84 with histidine.
Molecular consequence: missense variant. On other transcripts: non-coding transcript variant (1), intron variant (1).
Genome position (GRCh38, 1-based): chr11:112,088,947, T>C. VCF-style: chr11-112088947-T-C. GRCh37 (hg19) VCF-style: chr11-111959671-T-C.
Other names: c.133T>C, p.Tyr45His (NM_001276504.2); c.250T>C, p.Tyr84His (NM_001276506.2); c.169+974T>C (NM_001276503.2); short protein forms Y84H, Y45H.
Identifiers: ClinVar variation 5029379 (VCV005029379.1).